The following is an entry in ClinVar:

ClinVar aggregate classification (germline): Uncertain significance. Review status: criteria provided, single submitter (1 of 4 stars). 2 submissions from 2 submitters: Uncertain significance (1). 1 of the submissions does not count toward it. Last evaluated 2023-01-26.

Conditions:
PLXNA1-related disorder. Also called: PLXNA1-related condition.

Allele frequency attached by ClinVar (database versions not stated): ExAC 0.00002; gnomAD 0.00003.

Submissions (2):

Ambry Genetics
Classification: Uncertain significance. Last evaluated: 2023-01-26. Review status: criteria provided, single submitter. Criteria: Ambry Variant Classification Scheme 2023. Collection method: clinical testing. Allele origin: germline.

PreventionGenetics, part of Exact Sciences
Classification: Uncertain significance for PLXNA1-related condition. Last evaluated: 2024-08-23. Review status: no assertion criteria provided. Collection method: clinical testing. Allele origin: germline. Not counted in ClinVar's aggregate classification.
Comment: The PLXNA1 c.1630C>T variant is predicted to result in the amino acid substitution p.Arg544Trp. To our knowledge, this variant has not been reported in the literature. This variant is reported in 0.0052% of alleles in individuals of East Asian descent in gnomAD. At this time, the clinical significance of this variant is uncertain due to the absence of conclusive functional and genetic evidence.

NM_032242.4(PLXNA1):c.1630C>T (p.Arg544Trp)

Gene: PLXNA1 (plexin A1; plus strand). Cytogenetic location: 3q21.3.
Variant type: single nucleotide variant.
Coding change: c.1630C>T on transcript NM_032242.4 (MANE Select); coding-DNA position 1630, C replaced by T.
Protein change: p.Arg544Trp; replaces arginine 544 with tryptophan.
Molecular consequence: missense variant.
Genome position (GRCh38, 1-based): chr3:127,004,895, C>T. VCF-style: chr3-127004895-C-T. GRCh37 (hg19) VCF-style: chr3-126723738-C-T.
Other names: short protein forms R544W.
Identifiers: ClinVar variation 2479327 (VCV002479327.3), dbSNP rs751844491, ClinGen allele CA2593319.